The following is an entry in ClinVar:

ClinVar aggregate classification (germline): Uncertain significance (1 of 4 stars; one submission).

Allele frequency attached by ClinVar (database versions not stated): gnomAD exomes 0.00002.
gnomAD v4.1: 13 of 1,559,154 alleles (0.00083%); highest among the groups gnomAD compares: East Asian, 0.029%; no homozygotes.

Submission:

Labcorp Genetics (formerly Invitae), Labcorp
Classification: Uncertain significance. Last evaluated: 2024-10-25. Review status: criteria provided, single submitter. Criteria: Invitae Variant Classification Sherloc (09022015). Collection method: clinical testing. Allele origin: germline.
Comment: This sequence change replaces alanine, which is neutral and non-polar, with valine, which is neutral and non-polar, at codon 741 of the COL18A1 protein (p.Ala741Val). This variant is not present in population databases (gnomAD no frequency). This variant has not been reported in the literature in individuals affected with COL18A1-related conditions. ClinVar contains an entry for this variant (Variation ID: 2096355). Experimental studies and prediction algorithms are not available or were not evaluated, and the functional significance of this variant is currently unknown. In summary, the available evidence is currently insufficient to determine the role of this variant in disease. Therefore, it has been classified as a Variant of Uncertain Significance.

NM_001379500.1(COL18A1):c.2222C>T (p.Ala741Val)

Gene: COL18A1 (collagen type XVIII alpha 1 chain; plus strand). Cytogenetic location: 21q22.3.
Variant type: single nucleotide variant.
Coding change: c.2222C>T on transcript NM_001379500.1 (MANE Select); coding-DNA position 2222, C replaced by T.
Protein change: p.Ala741Val; replaces alanine 741 with valine.
Molecular consequence: missense variant.
Genome position (GRCh38, 1-based): chr21:45,493,170, C>T. VCF-style: chr21-45493170-C-T. GRCh37 (hg19) VCF-style: chr21-46913084-C-T.
Other names: c.2762C>T, p.Ala921Val (NM_030582.4); c.3467C>T, p.Ala1156Val (NM_130444.3); short protein forms A1156V, A921V, A741V.
Identifiers: ClinVar variation 2096355 (VCV002096355.4), dbSNP rs1183965349, ClinGen allele CA410497256.